The following is an entry in ClinVar:

ClinVar aggregate classification (germline): Uncertain significance (0 of 4 stars; one submission).

Conditions:
SLC38A10-related disorder. Also called: SLC38A10-related condition.

Submission:

PreventionGenetics, part of Exact Sciences
Classification: Uncertain significance for SLC38A10-related condition. Last evaluated: 2024-09-11. Review status: no assertion criteria provided. Collection method: clinical testing. Allele origin: germline.
Comment: The SLC38A10 c.2695G>T variant is predicted to result in the amino acid substitution p.Val899Leu. To our knowledge, this variant has not been reported in the literature or in a large population database, indicating this variant is rare. At this time, the clinical significance of this variant is uncertain due to the absence of conclusive functional and genetic evidence.

NM_001037984.3(SLC38A10):c.2695G>T (p.Val899Leu)

Gene: SLC38A10 (solute carrier family 38 member 10; minus strand). Cytogenetic location: 17q25.3.
Variant type: single nucleotide variant.
Coding change: c.2695G>T on transcript NM_001037984.3 (MANE Select); coding-DNA position 2695, G replaced by T.
Protein change: p.Val899Leu; replaces valine 899 with leucine.
Molecular consequence: missense variant.
Genome position (GRCh38, 1-based): chr17:81,246,221, C>A on the plus strand (G>T on the coding strand, the complement: SLC38A10 is on the minus strand). VCF-style: chr17-81246221-C-A. GRCh37 (hg19) VCF-style: chr17-79220021-C-A.
Other names: short protein forms V899L.
Identifiers: ClinVar variation 3355717 (VCV003355717.1).